The following is an entry in ClinVar:

NM_001035.3(RYR2):c.11982G>A (p.Thr3994=)

Gene: RYR2 (ryanodine receptor 2; plus strand). Cytogenetic location: 1q43.
Variant type: single nucleotide variant.
Coding change: c.11982G>A on transcript NM_001035.3 (MANE Select); coding-DNA position 11982, G replaced by A.
Protein change: p.Thr3994=; no amino-acid change (threonine 3994 retained).
Molecular consequence: synonymous variant.
Genome position (GRCh38, 1-based): chr1:237,783,694, G>A. VCF-style: chr1-237783694-G-A. GRCh37 (hg19) VCF-style: chr1-237946994-G-A.
Other names: c.11982G>A, p.Thr3994= (LRG_402t1).
Identifiers: ClinVar variation 463548 (VCV000463548.18), dbSNP rs368634803, ClinGen allele CA085108.

ClinVar aggregate classification (germline): Likely benign. Review status: criteria provided, multiple submitters, no conflicts (2 of 4 stars). 6 submissions from 6 submitters: Likely benign (6). Last evaluated 2025-10-01.

Conditions:
Ventricular arrhythmias due to cardiac ryanodine receptor calcium release deficiency syndrome. Also called: Autosomal dominant cardiac arrhythmia (Kuhn). Identifiers: MedGen C5542154, MONDO:0020745, OMIM 115000.
Arrhythmogenic right ventricular dysplasia 2. Identifiers: MedGen C1832931.
Catecholaminergic polymorphic ventricular tachycardia 1. Also called: VENTRICULAR TACHYCARDIA, STRESS-INDUCED POLYMORPHIC 1; VENTRICULAR TACHYCARDIA, CATECHOLAMINERGIC POLYMORPHIC, 1, WITH OR WITHOUT ATRIAL DYSFUNCTION AND/OR DILATED CARDIOMYOPATHY; RYR2-Related Catecholaminergic Polymorphic Ventricular Tachycardia. Identifiers: Orphanet 3286, MedGen C1631597, MONDO:0011484, OMIM 604772.
Cardiovascular phenotype. Identifiers: MedGen CN230736.
Catecholaminergic polymorphic ventricular tachycardia (CVPT). Also called: Catecholamine-induced polymorphic ventricular tachycardia. Identifiers: Orphanet 3286, MedGen C5574922, MONDO:0017990.
Cardiomyopathy (CMYO). Also called: Cardiomyopathies. Identifiers: Orphanet 167848, MedGen C0878544, MONDO:0004994, HP:0001638. Inheritance: Various modes of inheritance.

Allele frequency attached by ClinVar (database versions not stated): gnomAD 0.00001 and 0.00002; TOPMed 0.00002; gnomAD exomes 0.00003; ExAC 0.00004; ESP Exome Variant Server 0.00017.
gnomAD v4.1: 60 of 1,604,126 alleles (0.0037%); highest among the groups gnomAD compares: Non-Finnish European, 0.0044%; no homozygotes.

Submissions (6):

Labcorp Genetics (formerly Invitae), Labcorp
Classification: Likely benign for Catecholaminergic polymorphic ventricular tachycardia 1. Last evaluated: 2025-10-01. Review status: criteria provided, single submitter. Criteria: Invitae Variant Classification Sherloc (09022015). Collection method: clinical testing. Allele origin: germline.

All of Us Research Program, National Institutes of Health
Classification: Likely benign for Catecholaminergic polymorphic ventricular tachycardia. Last evaluated: 2024-02-05. Review status: criteria provided, single submitter. Criteria: ACMG Guidelines, 2015. Collection method: clinical testing. Allele origin: germline. Inheritance: Autosomal dominant inheritance. Observed: 5 variant alleles, 5 heterozygotes.
Comment: This study involves interpretation of variants in research participants for the purpose of population health screening. Participant phenotype was not available at the time of variant classification. Additional details can be found in publication PMID: 35346344, PMCID: PMC8962531

Fulgent Genetics
Classification: Likely benign for Ventricular arrhythmias due to cardiac ryanodine receptor calcium release deficiency syndrome; Catecholaminergic polymorphic ventricular tachycardia 1. Last evaluated: 2021-07-29. Review status: criteria provided, single submitter. Criteria: ACMG Guidelines, 2015. Collection method: clinical testing. Allele origin: unknown.

Ambry Genetics
Classification: Likely benign for Cardiovascular phenotype. Last evaluated: 2020-05-19. Review status: criteria provided, single submitter. Criteria: Ambry Variant Classification Scheme 2023. Collection method: clinical testing. Allele origin: germline.

Color Diagnostics, LLC DBA Color Health
Classification: Likely benign for Cardiomyopathy. Last evaluated: 2018-11-09. Review status: criteria provided, single submitter. Criteria: ACMG Guidelines, 2015. Collection method: clinical testing. Allele origin: germline.

GeneDx
Classification: Likely benign. Last evaluated: 2018-02-26. Review status: criteria provided, single submitter. Criteria: GeneDx Variant Classification (06012015). Collection method: clinical testing. Allele origin: germline. Affected: yes.
Comment: This variant is considered likely benign or benign based on one or more of the following criteria: it is a conservative change, it occurs at a poorly conserved position in the protein, it is predicted to be benign by multiple in silico algorithms, and/or has population frequency not consistent with disease.